The following is an entry in ClinVar:

NM_015570.4(AUTS2):c.511G>A (p.Ala171Thr)

Gene: AUTS2 (activator of transcription and developmental regulator AUTS2; plus strand). Cytogenetic location: 7q11.22.
Variant type: single nucleotide variant.
Coding change: c.511G>A on transcript NM_015570.4 (MANE Select); coding-DNA position 511, G replaced by A.
Protein change: p.Ala171Thr; replaces alanine 171 with threonine.
Molecular consequence: missense variant.
Genome position (GRCh38, 1-based): chr7:69,899,487, G>A. VCF-style: chr7-69899487-G-A. GRCh37 (hg19) VCF-style: chr7-69364473-G-A.
Other names: c.511G>A, p.Ala171Thr (NM_001127231.3, NM_001127232.3); short protein forms A171T.
Identifiers: ClinVar variation 2419116 (VCV002419116.6), dbSNP rs773894264, ClinGen allele CA4280313.

ClinVar aggregate classification (germline): Uncertain significance (1 of 4 stars; one submission).

Allele frequency attached by ClinVar (database versions not stated): gnomAD exomes below 0.00001; ExAC 0.00001; gnomAD 0.00001; TOPMed 0.00001.

Submission:

Labcorp Genetics (formerly Invitae), Labcorp
Classification: Uncertain significance. Last evaluated: 2025-11-09. Review status: criteria provided, single submitter. Criteria: Invitae Variant Classification Sherloc (09022015). Collection method: clinical testing. Allele origin: germline.
Comment: This sequence change replaces alanine, which is neutral and non-polar, with threonine, which is neutral and polar, at codon 171 of the AUTS2 protein (p.Ala171Thr). This variant is present in population databases (rs773894264, gnomAD 0.01%). This variant has not been reported in the literature in individuals affected with AUTS2-related conditions. ClinVar contains an entry for this variant (Variation ID: 2419116). An algorithm developed to predict the effect of missense changes on protein structure and function (PolyPhen-2) suggests that this variant is likely to be tolerated. In summary, the available evidence is currently insufficient to determine the role of this variant in disease. Therefore, it has been classified as a Variant of Uncertain Significance.